The following is an entry in ClinVar:

ClinVar aggregate classification (germline): Benign. Review status: criteria provided, multiple submitters, no conflicts (2 of 4 stars). 2 submissions from 2 submitters: Benign (2). Last evaluated 2018-06-19.

Allele frequency attached by ClinVar (database versions not stated): gnomAD 0.03563; TOPMed 0.04147; 1000 Genomes Project 0.04213; 1000 Genomes Project 30x 0.04310.
gnomAD v4.1: 5,369 of 152,166 alleles (3.5%); highest among the groups gnomAD compares: African/African-American, 12%; 302 homozygotes.

Submissions (2):

GeneDx
Classification: Benign. Last evaluated: 2018-06-19. Review status: criteria provided, single submitter. Criteria: GeneDx Variant Classification (06012015). Collection method: clinical testing. Allele origin: germline. Affected: yes.
Comment: This variant is considered likely benign or benign based on one or more of the following criteria: it is a conservative change, it occurs at a poorly conserved position in the protein, it is predicted to be benign by multiple in silico algorithms, and/or has population frequency not consistent with disease.

Breakthrough Genomics
Classification: Benign. Review status: criteria provided, single submitter. Criteria: ACMG Guidelines, 2015. Collection method: not provided. Allele origin: germline. Inheritance: Autosomal recessive inheritance. Affected: yes.

NM_000540.3(RYR1):c.3765+154C>G

Gene: RYR1 (ryanodine receptor 1; plus strand). Cytogenetic location: 19q13.2.
Variant type: single nucleotide variant.
Coding change: c.3765+154C>G on transcript NM_000540.3 (MANE Select); 154 bases into the intron after coding-DNA position 3765, C replaced by G.
Molecular consequence: intron variant.
Genome position (GRCh38, 1-based): chr19:38,469,667, C>G. VCF-style: chr19-38469667-C-G. GRCh37 (hg19) VCF-style: chr19-38960307-C-G.
Other names: c.3765+154C>G (NM_001042723.2).
Identifiers: ClinVar variation 669185 (VCV000669185.2), dbSNP rs76563952, ClinGen allele CA308078197.